The following is an entry in ClinVar:

ClinVar aggregate classification (germline): Uncertain significance (1 of 4 stars; one submission).

Conditions:
Cardiovascular phenotype. Identifiers: MedGen CN230736.
Hereditary cancer-predisposing syndrome. Also called: Neoplastic Syndromes, Hereditary; Tumor predisposition; Hereditary Cancer Syndrome; Hereditary neoplastic syndrome. Identifiers: Orphanet 140162, MedGen C0027672, MeSH D009386, MONDO:0015356.

Submission:

Ambry Genetics
Classification: Uncertain significance for Cardiovascular phenotype; Hereditary cancer-predisposing syndrome. Last evaluated: 2025-09-19. Review status: criteria provided, single submitter. Criteria: Ambry Variant Classification Scheme 2023. Collection method: clinical testing. Allele origin: germline.
Comment: The p.S739P variant (also known as c.2215T>C), located in coding exon 18 of the LZTR1 gene, results from a T to C substitution at nucleotide position 2215. The serine at codon 739 is replaced by proline, an amino acid with similar properties. This amino acid position is conserved. In addition, this alteration is predicted to be deleterious by in silico analysis. Based on the available evidence, the clinical significance of this variant remains unclear.

NM_006767.4(LZTR1):c.2215T>C (p.Ser739Pro)

Gene: LZTR1 (leucine zipper like post translational regulator 1; plus strand). Cytogenetic location: 22q11.21.
Variant type: single nucleotide variant.
Coding change: c.2215T>C on transcript NM_006767.4 (MANE Select); coding-DNA position 2215, T replaced by C.
Protein change: p.Ser739Pro; replaces serine 739 with proline.
Molecular consequence: missense variant.
Genome position (GRCh38, 1-based): chr22:20,996,108, T>C. VCF-style: chr22-20996108-T-C. GRCh37 (hg19) VCF-style: chr22-21350397-T-C.
Other names: short protein forms S739P.
Identifiers: ClinVar variation 4615612 (VCV004615612.1).